The following is an entry in ClinVar:

ClinVar aggregate classification (germline): Uncertain significance (1 of 4 stars; one submission).

Allele frequency attached by ClinVar (database versions not stated): gnomAD exomes 0.00013 and 0.00022; ExAC 0.00023; 1000 Genomes Project 0.00060; 1000 Genomes Project 30x 0.00125.
gnomAD v4.1: 205 of 1,613,076 alleles (0.013%); highest among the groups gnomAD compares: South Asian, 0.15%; no homozygotes.

Submission:

Labcorp Genetics (formerly Invitae), Labcorp
Classification: Uncertain significance. Last evaluated: 2024-11-18. Review status: criteria provided, single submitter. Criteria: Invitae Variant Classification Sherloc (09022015). Collection method: clinical testing. Allele origin: germline.
Comment: This sequence change replaces arginine, which is basic and polar, with histidine, which is basic and polar, at codon 25 of the GTF2E2 protein (p.Arg25His). This variant is present in population databases (rs191911969, gnomAD 0.2%). This variant has not been reported in the literature in individuals affected with GTF2E2-related conditions. ClinVar contains an entry for this variant (Variation ID: 1464570). Invitae Evidence Modeling of protein sequence and biophysical properties (such as structural, functional, and spatial information, amino acid conservation, physicochemical variation, residue mobility, and thermodynamic stability) has been performed for this missense variant. However, the output from this modeling did not meet the statistical confidence thresholds required to predict the impact of this variant on GTF2E2 protein function. In summary, the available evidence is currently insufficient to determine the role of this variant in disease. Therefore, it has been classified as a Variant of Uncertain Significance.

NM_002095.6(GTF2E2):c.74G>A (p.Arg25His)

Gene: GTF2E2 (general transcription factor IIE subunit 2; minus strand). Cytogenetic location: 8p12.
Variant type: single nucleotide variant.
Coding change: c.74G>A on transcript NM_002095.6 (MANE Select); coding-DNA position 74, G replaced by A.
Protein change: p.Arg25His; replaces arginine 25 with histidine.
Molecular consequence: missense variant.
Genome position (GRCh38, 1-based): chr8:30,653,525, C>T on the plus strand (G>A on the coding strand, the complement: GTF2E2 is on the minus strand). VCF-style: chr8-30653525-C-T. GRCh37 (hg19) VCF-style: chr8-30511042-C-T.
Other names: c.74G>A, p.Arg25His (NM_001348353.1); short protein forms R25H.
Identifiers: ClinVar variation 1464570 (VCV001464570.6), dbSNP rs191911969, ClinGen allele CA4701108.